The following is an entry in ClinVar:

ClinVar aggregate classification (germline): Conflicting classifications of pathogenicity. Review status: criteria provided, conflicting classifications (1 of 4 stars). 2 submissions from 2 submitters: Uncertain significance (1); Likely benign (1). Last evaluated 2024-09-01.

Conditions:
Hereditary spastic paraplegia 4. Also called: Spastic Paraplegia 4; Familial spastic paraplegia autosomal dominant 2; Spastic paraplegia 4, autosomal dominant. Identifiers: Orphanet 100985, MedGen C1866855, MONDO:0008438, OMIM 182601.

gnomAD v4.1: 7 of 1,611,840 alleles (0.00043%); highest among the groups gnomAD compares: East Asian, 0.016%; no homozygotes.

Submissions (2):

Labcorp Genetics (formerly Invitae), Labcorp
Classification: Likely benign for Hereditary spastic paraplegia 4. Last evaluated: 2024-09-01. Review status: criteria provided, single submitter. Criteria: Invitae Variant Classification Sherloc (09022015). Collection method: clinical testing. Allele origin: germline.

GeneDx
Classification: Uncertain significance. Last evaluated: 2024-02-27. Review status: criteria provided, single submitter. Criteria: GeneDx Variant Classification Process June 2021. Collection method: clinical testing. Allele origin: germline. Affected: yes.
Comment: Has not been previously published as pathogenic or benign to our knowledge; In silico analysis supports that this variant does not alter splicing

NM_014946.4(SPAST):c.255C>T (p.Ala85=)

Gene: SPAST (spastin; plus strand). Cytogenetic location: 2p22.3.
Variant type: single nucleotide variant.
Coding change: c.255C>T on transcript NM_014946.4 (MANE Select); coding-DNA position 255, C replaced by T.
Protein change: p.Ala85=; no amino-acid change (alanine 85 retained).
Molecular consequence: synonymous variant.
Genome position (GRCh38, 1-based): chr2:32,064,086, C>T. VCF-style: chr2-32064086-C-T. GRCh37 (hg19) VCF-style: chr2-32289155-C-T.
Other names: c.255C>T, p.Ala85= (NM_001363823.2, NM_001363875.2, NM_001377959.1 and 1 more transcripts).
Identifiers: ClinVar variation 3369686 (VCV003369686.3).